The following is an entry in ClinVar:

ClinVar aggregate classification (germline): Uncertain significance (1 of 4 stars; one submission).

Allele frequency attached by ClinVar (database versions not stated): gnomAD exomes below 0.00001.
gnomAD v4.1: 2 of 1,613,088 alleles (0.00012%); highest among the groups gnomAD compares: Non-Finnish European, 0.000085%; no homozygotes.

Submission:

GeneDx
Classification: Uncertain significance. Last evaluated: 2024-05-20. Review status: criteria provided, single submitter. Criteria: GeneDx Variant Classification Process June 2021. Collection method: clinical testing. Allele origin: germline.
Comment: Not observed at significant frequency in large population cohorts (gnomAD); In silico analysis supports that this missense variant has a deleterious effect on protein structure/function; In silico analysis supports a deleterious effect on splicing; Has not been previously published as pathogenic or benign to our knowledge

NM_003922.4(HERC1):c.4948G>A (p.Gly1650Arg)

Gene: HERC1 (HECT and RLD domain containing E3 ubiquitin protein ligase family member 1; minus strand). Cytogenetic location: 15q22.31.
Variant type: single nucleotide variant.
Coding change: c.4948G>A on transcript NM_003922.4 (MANE Select); coding-DNA position 4948, G replaced by A.
Protein change: p.Gly1650Arg; replaces glycine 1650 with arginine.
Molecular consequence: missense variant.
Genome position (GRCh38, 1-based): chr15:63,696,297, C>T on the plus strand (G>A on the coding strand, the complement: HERC1 is on the minus strand). VCF-style: chr15-63696297-C-T. GRCh37 (hg19) VCF-style: chr15-63988496-C-T.
Other names: short protein forms G1650R.
Identifiers: ClinVar variation 2663065 (VCV002663065.2), dbSNP rs2551496920, ClinGen allele CA392749689.
Genomic context (GRCh38, chr15:63,696,297, plus strand): 5'-ACTGGAAGCCTGAACTCAATCTGCTTCCTGCCAGTGAGATGCTACCTTTTTCTTCCATCC[C>T]AGACAATAGAACGAGGATCTGATGAAGTGCCTCTAAACGAAGCTTGAGGAAAAAAACATA-3'
Protein context (NP_003913.3, residues 1640-1660): ALHQILVLLS[Gly1650Arg]MEEKGSISLA